The following is an entry in ClinVar:

ClinVar aggregate classification (germline): Uncertain significance. Review status: criteria provided, multiple submitters, no conflicts (2 of 4 stars). 3 submissions from 3 submitters: Uncertain significance (3). Last evaluated 2024-12-05.

Conditions:
Inborn genetic diseases. Identifiers: MedGen C0950123, MeSH D030342.

gnomAD v4.1: 2 of 1,536,388 alleles (0.00013%); highest among the groups gnomAD compares: Admixed American, 0.002%; no homozygotes.

Submissions (3):

Labcorp Genetics (formerly Invitae), Labcorp
Classification: Uncertain significance. Last evaluated: 2024-12-05. Review status: criteria provided, single submitter. Criteria: Invitae Variant Classification Sherloc (09022015). Collection method: clinical testing. Allele origin: germline.
Comment: This sequence change replaces proline, which is neutral and non-polar, with threonine, which is neutral and polar, at codon 307 of the MAGEL2 protein (p.Pro307Thr). This variant is present in population databases (no rsID available, gnomAD 0.004%). This variant has not been reported in the literature in individuals affected with MAGEL2-related conditions. ClinVar contains an entry for this variant (Variation ID: 2966972). Experimental studies and prediction algorithms are not available or were not evaluated, and the functional significance of this variant is currently unknown. In summary, the available evidence is currently insufficient to determine the role of this variant in disease. Therefore, it has been classified as a Variant of Uncertain Significance.

Ambry Genetics
Classification: Uncertain significance for Inborn genetic diseases. Last evaluated: 2024-03-04. Review status: criteria provided, single submitter. Criteria: Ambry Variant Classification Scheme 2023. Collection method: clinical testing. Allele origin: germline.

GeneDx
Classification: Uncertain significance. Last evaluated: 2023-12-26. Review status: criteria provided, single submitter. Criteria: GeneDx Variant Classification Process June 2021. Collection method: clinical testing. Allele origin: germline. Affected: yes.
Comment: Not observed at significant frequency in large population cohorts (gnomAD); In silico analysis, which includes protein predictors and evolutionary conservation, supports that this variant does not alter protein structure/function; Has not been previously published as pathogenic or benign to our knowledge

NM_019066.5(MAGEL2):c.919C>A (p.Pro307Thr)

Gene: MAGEL2 (MAGE family member L2; minus strand). Cytogenetic location: 15q11.2.
Variant type: single nucleotide variant.
Coding change: c.919C>A on transcript NM_019066.5 (MANE Select); coding-DNA position 919, C replaced by A.
Protein change: p.Pro307Thr; replaces proline 307 with threonine.
Molecular consequence: missense variant.
Genome position (GRCh38, 1-based): chr15:23,646,824, G>T on the plus strand (C>A on the coding strand, the complement: MAGEL2 is on the minus strand). VCF-style: chr15-23646824-G-T. GRCh37 (hg19) VCF-style: chr15-23891971-G-T.
Other names: c.919C>A (NM_019066.4); short protein forms P307T.
Identifiers: ClinVar variation 2966972 (VCV002966972.4), dbSNP rs555920534, ClinGen allele CA391335553.